The following is an entry in ClinVar:

ClinVar aggregate classification (germline): Uncertain significance (1 of 4 stars; one submission).

Conditions:
Joubert syndrome 21 (JBTS21). Identifiers: MedGen C3810212, MONDO:0014288, OMIM 615636.

Allele frequency attached by ClinVar (database versions not stated): gnomAD exomes below 0.00001.
gnomAD v4.1: 6 of 1,614,046 alleles (0.00037%); highest among the groups gnomAD compares: Middle Eastern, 0.017%; no homozygotes.

Submission:

Labcorp Genetics (formerly Invitae), Labcorp
Classification: Uncertain significance for Joubert syndrome 21. Last evaluated: 2022-08-31. Review status: criteria provided, single submitter. Criteria: Invitae Variant Classification Sherloc (09022015). Collection method: clinical testing. Allele origin: germline.
Comment: In summary, the available evidence is currently insufficient to determine the role of this variant in disease. Therefore, it has been classified as a Variant of Uncertain Significance. Algorithms developed to predict the effect of missense changes on protein structure and function (SIFT, PolyPhen-2, Align-GVGD) all suggest that this variant is likely to be tolerated. This variant has not been reported in the literature in individuals affected with CSPP1-related conditions. This variant is present in population databases (no rsID available, gnomAD 0.003%). This sequence change replaces serine, which is neutral and polar, with glycine, which is neutral and non-polar, at codon 481 of the CSPP1 protein (p.Ser481Gly).

NM_001382391.1(CSPP1):c.1456A>G (p.Ser486Gly)

Gene: CSPP1 (centrosome and spindle pole associated protein 1; plus strand). Cytogenetic location: 8q13.2.
Variant type: single nucleotide variant.
Coding change: c.1456A>G on transcript NM_001382391.1 (MANE Select); coding-DNA position 1456, A replaced by G.
Protein change: p.Ser486Gly; replaces serine 486 with glycine.
Molecular consequence: missense variant.
Genome position (GRCh38, 1-based): chr8:67,116,082, A>G. VCF-style: chr8-67116082-A-G. GRCh37 (hg19) VCF-style: chr8-68028317-A-G.
Other names: c.559A>G, p.Ser187Gly (NM_001291339.2); c.1375A>G, p.Ser459Gly (NM_001363131.2); c.1414A>G, p.Ser472Gly (NM_001363132.2); c.1333A>G, p.Ser445Gly (NM_001363133.2); c.1522A>G, p.Ser508Gly (NM_001364869.1); c.1342A>G, p.Ser448Gly (NM_001364870.1); c.1441A>G, p.Ser481Gly (NM_024790.7); short protein forms S187G, S445G, S459G, S486G, S508G, S448G, S472G, S481G.
Identifiers: ClinVar variation 2155609 (VCV002155609.2), dbSNP rs1249999187, ClinGen allele CA371199189.